The following is an entry in ClinVar:

ClinVar aggregate classification (germline): Likely benign (1 of 4 stars; one submission).

Allele frequency attached by ClinVar (database versions not stated): 1000 Genomes Project 30x 0.00016; 1000 Genomes Project 0.00020; ESP Exome Variant Server 0.00077; TOPMed 0.00090; gnomAD exomes 0.00115; gnomAD 0.00165; ExAC 0.00181.
gnomAD v4.1: 1,920 of 1,602,752 alleles (0.12%); highest among the groups gnomAD compares: Non-Finnish European, 0.13%; 7 homozygotes.

Submission:

CeGaT Center for Human Genetics Tuebingen
Classification: Likely benign. Last evaluated: 2023-02-01. Review status: criteria provided, single submitter. Criteria: CeGaT Center For Human Genetics Tuebingen Variant Classification Criteria Version 2. Collection method: clinical testing. Allele origin: germline. Affected: yes. Observed: 1 variant allele.
Comment: TAAR5: BP4, BP7, BS2

NM_003967.3(TAAR5):c.48C>T (p.Phe16=)

Gene: TAAR5 (trace amine associated receptor 5; minus strand). Cytogenetic location: 6q23.2.
Variant type: single nucleotide variant.
Coding change: c.48C>T on transcript NM_003967.3 (MANE Select); coding-DNA position 48, C replaced by T.
Protein change: p.Phe16=; no amino-acid change (phenylalanine 16 retained).
Molecular consequence: synonymous variant.
Genome position (GRCh38, 1-based): chr6:132,589,639, G>A on the plus strand (C>T on the coding strand, the complement: TAAR5 is on the minus strand). VCF-style: chr6-132589639-G-A. GRCh37 (hg19) VCF-style: chr6-132910778-G-A.
Other names: c.48C>T, p.Phe16= (NM_001389527.1).
Identifiers: ClinVar variation 2656917 (VCV002656917.24), dbSNP rs147135761, ClinGen allele CA4004842.